The following is an entry in ClinVar:

NM_001378454.1(ALMS1):c.1400C>T (p.Thr467Ile)

Gene: ALMS1 (ALMS1 centrosome and basal body associated protein; plus strand). Cytogenetic location: 2p13.1.
Variant type: single nucleotide variant.
Coding change: c.1400C>T on transcript NM_001378454.1 (MANE Select); coding-DNA position 1400, C replaced by T.
Protein change: p.Thr467Ile; replaces threonine 467 with isoleucine.
Molecular consequence: missense variant.
Genome position (GRCh38, 1-based): chr2:73,432,259, C>T. VCF-style: chr2-73432259-C-T. GRCh37 (hg19) VCF-style: chr2-73659387-C-T.
Other names: c.1403C>T, p.Thr468Ile (NM_015120.4); short protein forms T468I, T467I.
Identifiers: ClinVar variation 459854 (VCV000459854.20), dbSNP rs201990757, ClinGen allele CA1713142.

ClinVar aggregate classification (germline): Uncertain significance. Review status: criteria provided, multiple submitters, no conflicts (2 of 4 stars). 8 submissions from 8 submitters: Uncertain significance (8). Last evaluated 2025-08-09.

Conditions:
Cardiovascular phenotype. Identifiers: MedGen CN230736.
Alstrom syndrome (ALMS). Identifiers: Orphanet 64, MedGen C0268425, MONDO:0008763, OMIM 203800.

Allele frequency attached by ClinVar (database versions not stated): ExAC 0.00008; gnomAD exomes 0.00009 and 0.00006; 1000 Genomes Project 30x 0.00016; 1000 Genomes Project 0.00020; gnomAD 0.00004 and 0.00005; TOPMed 0.00004.
gnomAD v4.1: 145 of 1,613,368 alleles (0.009%); highest among the groups gnomAD compares: South Asian, 0.056%; 1 homozygote.

Submissions (8):

GeneDx
Classification: Uncertain significance. Last evaluated: 2025-08-09. Review status: criteria provided, single submitter. Criteria: GeneDx Variant Classification Process June 2021. Collection method: clinical testing. Allele origin: germline. Affected: yes.
Comment: In silico analysis supports that this missense variant has a deleterious effect on protein structure/function; Has not been previously published as pathogenic or benign to our knowledge

Blueprint Genetics
Classification: Uncertain significance. Last evaluated: 2024-09-10. Review status: criteria provided, single submitter. Criteria: ACMG Guidelines, 2015. Collection method: clinical testing. Allele origin: germline.

ARUP Laboratories, Molecular Genetics and Genomics, ARUP Laboratories
Classification: Uncertain significance for Alstrom syndrome. Last evaluated: 2024-03-20. Review status: criteria provided, single submitter. Criteria: ARUP Molecular Germline Variant Investigation Process 2024. Collection method: clinical testing. Allele origin: germline.
Comment: The ALMS1 c.1400C>T; p.Thr467Ile variant (rs201990757), to our knowledge, is not reported in the medical literature but is reported in ClinVar (Variation ID: 459854). This variant is found in the South Asian population with an allele frequency of 0.04% (12/30598 alleles) in the Genome Aggregation Database (v2.1.1). Computational analyses predict that this variant is neutral (REVEL: 0.087). Due to limited information, the clinical significance of this variant is uncertain at this time.

Ambry Genetics
Classification: Uncertain significance for Cardiovascular phenotype. Last evaluated: 2023-08-08. Review status: criteria provided, single submitter. Criteria: Ambry Variant Classification Scheme 2023. Collection method: clinical testing. Allele origin: germline.
Comment: The p.T468I variant (also known as c.1403C>T), located in coding exon 7 of the ALMS1 gene, results from a C to T substitution at nucleotide position 1403. The threonine at codon 468 is replaced by isoleucine, an amino acid with similar properties. This amino acid position is not well conserved in available vertebrate species. In addition, this alteration is predicted to be tolerated by in silico analysis. Since supporting evidence is limited at this time, the clinical significance of this alteration remains unclear.

Labcorp Genetics (formerly Invitae), Labcorp
Classification: Uncertain significance for Alstrom syndrome. Last evaluated: 2022-10-13. Review status: criteria provided, single submitter. Criteria: Invitae Variant Classification Sherloc (09022015). Collection method: clinical testing. Allele origin: germline.
Comment: This sequence change replaces threonine, which is neutral and polar, with isoleucine, which is neutral and non-polar, at codon 468 of the ALMS1 protein (p.Thr468Ile). This variant is present in population databases (rs201990757, gnomAD 0.05%). This variant has not been reported in the literature in individuals affected with ALMS1-related conditions. ClinVar contains an entry for this variant (Variation ID: 459854). Algorithms developed to predict the effect of missense changes on protein structure and function output the following: SIFT: "Not Available"; PolyPhen-2: "Not Available"; Align-GVGD: "Not Available". The isoleucine amino acid residue is found in multiple mammalian species, which suggests that this missense change does not adversely affect protein function. In summary, the available evidence is currently insufficient to determine the role of this variant in disease. Therefore, it has been classified as a Variant of Uncertain Significance.

Fulgent Genetics
Classification: Uncertain significance for Alstrom syndrome. Last evaluated: 2022-02-04. Review status: criteria provided, single submitter. Criteria: ACMG Guidelines, 2015. Collection method: clinical testing. Allele origin: unknown.

Genome-Nilou Lab
Classification: Uncertain significance for Alstrom syndrome. Last evaluated: 2021-05-18. Review status: criteria provided, single submitter. Criteria: ACMG Guidelines, 2015. Collection method: clinical testing. Allele origin: germline. Affected: no.

Women's Health and Genetics/Laboratory Corporation of America, LabCorp
Classification: Uncertain significance. Last evaluated: 2021-02-01. Review status: criteria provided, single submitter. Criteria: LabCorp Variant Classification Summary - May 2015. Collection method: clinical testing. Allele origin: germline.
Comment: Variant summary: ALMS1 c.1400C>T (p.Thr467Ile) results in a non-conservative amino acid change in the encoded protein sequence. Three of five in-silico tools predict a benign effect of the variant on protein function. The variant allele was found at a frequency of 6e-05 in 249190 control chromosomes. This frequency is not significantly higher than expected for a pathogenic variant in ALMS1 causing Alstrom Syndrome With Dilated Cardiomyopathy (6e-05 vs 0.0018), allowing no conclusion about variant significance. To our knowledge, no occurrence of c.1400C>T in individuals affected with Alstrom Syndrome With Dilated Cardiomyopathy and no experimental evidence demonstrating its impact on protein function have been reported. One clinical diagnostic laboratory has submitted clinical-significance assessments for this variant to ClinVar after 2014 without evidence for independent evaluation. One laboratory classified the variant as uncertain significance. Based on the evidence outlined above, the variant was classified as uncertain significance.